The following is an entry in ClinVar:

ClinVar aggregate classification (germline): Conflicting classifications of pathogenicity. Review status: criteria provided, conflicting classifications (1 of 4 stars). 6 submissions from 6 submitters: Uncertain significance (5); Likely benign (1). Last evaluated 2025-09-02.

Conditions:
Hereditary cancer-predisposing syndrome. Also called: Hereditary neoplastic syndrome; Neoplastic Syndromes, Hereditary; Tumor predisposition; Hereditary Cancer Syndrome. Identifiers: Orphanet 140162, MedGen C0027672, MeSH D009386, MONDO:0015356.
Nijmegen breakage syndrome-like disorder (NBSLD). Also called: MICROCEPHALY AND SPONTANEOUS CHROMOSOME INSTABILITY WITHOUT IMMUNODEFICIENCY; NBS-LIKE DISORDER; RAD50 DEFICIENCY. Identifiers: Orphanet 240760, MedGen C2751318, MONDO:0013118, OMIM 613078.

Allele frequency attached by ClinVar (database versions not stated): gnomAD exomes 0.00003 and 0.00004; TOPMed 0.00003; gnomAD 0.00004; ExAC 0.00007; ESP Exome Variant Server 0.00008.
gnomAD v4.1: 47 of 1,613,144 alleles (0.0029%); highest among the groups gnomAD compares: Non-Finnish European, 0.0036%; no homozygotes.

Submissions (6):

Labcorp Genetics (formerly Invitae), Labcorp
Classification: Uncertain significance for Hereditary cancer-predisposing syndrome. Last evaluated: 2025-09-02. Review status: criteria provided, single submitter. Criteria: Invitae Variant Classification Sherloc (09022015). Collection method: clinical testing. Allele origin: germline.
Comment: This sequence change replaces alanine, which is neutral and non-polar, with aspartic acid, which is acidic and polar, at codon 232 of the RAD50 protein (p.Ala232Asp). This variant is present in population databases (rs28903089, gnomAD 0.008%). This missense change has been observed in individual(s) with breast cancer (PMID: 16385572, 20571869, 30613976). ClinVar contains an entry for this variant (Variation ID: 185142). Invitae Evidence Modeling of protein sequence and biophysical properties (such as structural, functional, and spatial information, amino acid conservation, physicochemical variation, residue mobility, and thermodynamic stability) indicates that this missense variant is not expected to disrupt RAD50 protein function with a negative predictive value of 80%. In summary, the available evidence is currently insufficient to determine the role of this variant in disease. Therefore, it has been classified as a Variant of Uncertain Significance.

Ambry Genetics
Classification: Likely benign for Hereditary cancer-predisposing syndrome. Last evaluated: 2024-02-15. Review status: criteria provided, single submitter. Criteria: Ambry Variant Classification Scheme 2023. Collection method: clinical testing. Allele origin: germline.

Baylor Genetics
Classification: Uncertain significance for Nijmegen breakage syndrome-like disorder. Last evaluated: 2023-06-13. Review status: criteria provided, single submitter. Criteria: ACMG Guidelines, 2015. Collection method: clinical testing. Allele origin: unknown.

Women's Health and Genetics/Laboratory Corporation of America, LabCorp
Classification: Uncertain significance. Last evaluated: 2022-09-29. Review status: criteria provided, single submitter. Criteria: LabCorp Variant Classification Summary - May 2015. Collection method: clinical testing. Allele origin: germline.
Comment: Variant summary: RAD50 c.695C>A (p.Ala232Asp) results in a non-conservative amino acid change located in the Rad50/SbcC-type AAA domain (IPR038729) of the encoded protein sequence. Three of five in-silico tools predict a benign effect of the variant on protein function. The variant allele was found at a frequency of 4e-05 in 251118 control chromosomes (gnomAD). This frequency is not significantly higher than expected for a pathogenic variant in RAD50 causing Hereditary Breast And Ovarian Cancer Syndrome (4e-05 vs 6.3e-05), allowing no conclusion about variant significance. c.695C>A has been reported in the literature in individuals affected with breast cancer (e.g. Tommiska_2006, Mosor_2010, Khan_2018, Rizzolo_2019, Tsaousis_2019, Dorling_2021). These reports do not provide unequivocal conclusions about association of the variant with Hereditary Breast And Ovarian Cancer Syndrome. To our knowledge, no experimental evidence demonstrating an impact on protein function has been reported. Four ClinVar submitters have assessed the variant since 2014: all classified the variant as uncertain significance. Based on the evidence outlined above, the variant was classified as uncertain significance.

Institute for Clinical Genetics, University Hospital TU Dresden, University Hospital TU Dresden
Classification: Uncertain significance. Last evaluated: 2021-11-03. Review status: criteria provided, single submitter. Criteria: ACMG Guidelines, 2015. Collection method: clinical testing. Allele origin: germline.

GeneKor MSA
Classification: Uncertain significance for Hereditary cancer-predisposing syndrome. Last evaluated: 2018-08-01. Review status: criteria provided, single submitter. Criteria: ACMG Guidelines, 2015. Collection method: clinical testing. Allele origin: germline. Affected: yes.

Literature cited by the submitters: PubMed 16385572 (cited by 3 submitters); PubMed 20571869 (cited by 3 submitters); PubMed 30613976 (cited by 3 submitters); PubMed 31159747 (cited by Ambry Genetics and Women's Health and Genetics/Laboratory Corporation of America, LabCorp); PubMed 33471991 (cited by Women's Health and Genetics/Laboratory Corporation of America, LabCorp); PubMed 29368209 (cited by Women's Health and Genetics/Laboratory Corporation of America, LabCorp).

NM_005732.4(RAD50):c.695C>A (p.Ala232Asp)

Gene: RAD50 (RAD50 double strand break repair protein; plus strand). Cytogenetic location: 5q31.1.
Variant type: single nucleotide variant.
Coding change: c.695C>A on transcript NM_005732.4 (MANE Select); coding-DNA position 695, C replaced by A.
Protein change: p.Ala232Asp; replaces alanine 232 with aspartic acid.
Molecular consequence: missense variant.
Genome position (GRCh38, 1-based): chr5:132,580,005, C>A. VCF-style: chr5-132580005-C-A. GRCh37 (hg19) VCF-style: chr5-131915697-C-A.
Other names: short protein forms A232D.
Identifiers: ClinVar variation 185142 (VCV000185142.18), dbSNP rs28903089, ClinGen allele CA333869.